The following is an entry in ClinVar:

ClinVar aggregate classification (germline): Likely benign. Review status: criteria provided, multiple submitters, no conflicts (2 of 4 stars). 2 submissions from 2 submitters: Likely benign (2). Last evaluated 2024-04-03.

Conditions:
Glycogen storage disease due to muscle and heart glycogen synthase deficiency. Also called: GSD 0b; MUSCLE GLYCOGEN SYNTHASE DEFICIENCY. Identifiers: Orphanet 137625, MedGen C1969054, MONDO:0012693, OMIM 611556.

Submissions (2):

Labcorp Genetics (formerly Invitae), Labcorp
Classification: Likely benign for Glycogen storage disease due to muscle and heart glycogen synthase deficiency. Last evaluated: 2024-04-03. Review status: criteria provided, single submitter. Criteria: Invitae Variant Classification Sherloc (09022015). Collection method: clinical testing. Allele origin: germline.

GeneDx
Classification: Likely benign. Last evaluated: 2017-03-28. Review status: criteria provided, single submitter. Criteria: GeneDx Variant Classification (06012015). Collection method: clinical testing. Allele origin: germline. Affected: yes.
Comment: This variant is considered likely benign or benign based on one or more of the following criteria: it is a conservative change, it occurs at a poorly conserved position in the protein, it is predicted to be benign by multiple in silico algorithms, and/or has population frequency not consistent with disease.

NM_002103.5(GYS1):c.823+11_823+12del

Gene: GYS1 (glycogen synthase 1; minus strand). Cytogenetic location: 19q13.33.
Variant type: Deletion.
Coding change: c.823+11_823+12del on transcript NM_002103.5 (MANE Select); bases 11 to 12 of the intron after coding-DNA position 823, 2 bases deleted (GG; older notation c.823+11_823+12delGG).
Molecular consequence: intron variant.
Genome position (GRCh38, 1-based): chr19:48,985,449-48,985,450, CC deleted on the plus strand (GG on the coding strand, the reverse complement: GYS1 is on the minus strand); deleting any 2 consecutive bases within chr19:48,985,449-48,985,451 gives the same sequence; the c. name uses the placement nearest the transcript's 3' end. VCF-style (leftmost placement, unchanged base first): chr19-48985448-GCC-G. GRCh37 (hg19) VCF-style: chr19-49488705-GCC-G.
Other names: c.823+11_823+12delGG (NM_002103.4); c.631+11_631+12del (NM_001161587.2).
Identifiers: ClinVar variation 508009 (VCV000508009.5), dbSNP rs750236338, ClinGen allele CA9563215.
Genomic context (GRCh38, chr19:48,985,448, plus strand): 5'-TGAGGAGCAACTGGCTTTGGCATAGACAGCTGCCTACCTCATTCACGTCTGGGGACTTCA[GCC>G]CAGCCCCTACCTGGTTTCCTCTTGAGCAAGTGCTGTGCCTCGATGGCGGTGATCTGGGAC-3'